The following is an entry in ClinVar:

NM_170707.4(LMNA):c.1642A>C (p.Thr548Pro)

Gene: LMNA (lamin A/C; plus strand). Cytogenetic location: 1q22.
Variant type: single nucleotide variant.
Coding change: c.1642A>C on transcript NM_170707.4 (MANE Select); coding-DNA position 1642, A replaced by C.
Protein change: p.Thr548Pro; replaces threonine 548 with proline.
Molecular consequence: missense variant. On other transcripts: intron variant (1).
Genome position (GRCh38, 1-based): chr1:156,137,687, A>C. VCF-style: chr1-156137687-A-C. GRCh37 (hg19) VCF-style: chr1-156107478-A-C.
Other names: c.1306A>C, p.Thr436Pro (NM_001257374.3); c.1399A>C, p.Thr467Pro (NM_001282624.2); c.1642A>C, p.Thr548Pro (NM_001282625.2, NM_001282626.2, NM_005572.4); c.1608+455A>C (NM_170708.4); short protein forms T548P, T436P, T467P.
Identifiers: ClinVar variation 921288 (VCV000921288.4), dbSNP rs1651784912, ClinGen allele CA342825484.
Genomic context (GRCh38, chr1:156,137,687, plus strand): 5'-TTGGACCTGGTTCCATGTCCCCACCAGGAAGTGGCCATGCGCAAGCTGGTGCGCTCAGTG[A>C]CTGTGGTTGAGGACGACGAGGATGAGGATGGAGATGACCTGCTCCATCACCACCACGTGA-3'
Protein context (NP_733821.1, residues 538-558): VAMRKLVRSV[Thr548Pro]VVEDDEDEDG

ClinVar aggregate classification (germline): Uncertain significance (1 of 4 stars; one submission).

Conditions:
Cardiomyopathy (CMYO). Also called: Cardiomyopathies. Identifiers: Orphanet 167848, MedGen C0878544, MONDO:0004994, HP:0001638. Inheritance: Various modes of inheritance.

Submission:

Color Diagnostics, LLC DBA Color Health
Classification: Uncertain significance for Cardiomyopathy. Last evaluated: 2024-03-06. Review status: criteria provided, single submitter. Criteria: ACMG Guidelines, 2015. Collection method: clinical testing. Allele origin: germline.
Comment: This missense variant replaces threonine with proline at codon 548 of the lamin A/C proteins. Computational prediction is inconclusive regarding the impact of this variant on protein structure and function (internally defined REVEL score threshold 0.5 < inconclusive < 0.7, PMID: 27666373). Splice site prediction tools suggest that this variant may not impact RNA splicing. To our knowledge, functional studies have not been performed for this variant. This variant has not been reported in individuals affected with cardiovascular disorders in the literature. This variant has not been identified in the general population by the Genome Aggregation Database (gnomAD). The available evidence is insufficient to determine the role of this variant in disease conclusively. Therefore, this variant is classified as a Variant of Uncertain Significance.